The following is an entry in ClinVar:

NM_032444.4(SLX4):c.4936G>A (p.Glu1646Lys)

Gene: SLX4 (SLX4 structure-specific endonuclease subunit; minus strand). Cytogenetic location: 16p13.3.
Variant type: single nucleotide variant.
Coding change: c.4936G>A on transcript NM_032444.4 (MANE Select); coding-DNA position 4936, G replaced by A.
Protein change: p.Glu1646Lys; replaces glutamic acid 1646 with lysine.
Molecular consequence: missense variant.
Genome position (GRCh38, 1-based): chr16:3,583,314, C>T on the plus strand (G>A on the coding strand, the complement: SLX4 is on the minus strand). VCF-style: chr16-3583314-C-T. GRCh37 (hg19) VCF-style: chr16-3633315-C-T.
Other names: short protein forms E1646K.
Identifiers: ClinVar variation 2912347 (VCV002912347.3), dbSNP rs757073761, ClinGen allele CA394515078.
Genomic context (GRCh38, chr16:3,583,314, plus strand): 5'-GGGGGCCCTTGGTCTTAGCAGGTCCCTTGGGCCTATGGGCCCCAGGTCCTGTGGTGGCCT[C>T]CTGCTGGGCATGGACCCCTGCCCTTGAAGGCTTGTAGGTCTGGGAGGCGAGGGTCTGGCA-3'
Protein context (NP_115820.2, residues 1636-1656): PSRAGVHAQQ[Glu1646Lys]ATTGPGAHRP

ClinVar aggregate classification (germline): Uncertain significance (1 of 4 stars; one submission).

Conditions:
Fanconi anemia (FA). Also called: Fanconi's anemia. Identifiers: Orphanet 84, MedGen C0015625, MeSH D005199, MONDO:0019391.

gnomAD v4.1: 2 of 1,614,000 alleles (0.00012%); highest among the groups gnomAD compares: African/African-American, 0.0013%; no homozygotes.

Submission:

Labcorp Genetics (formerly Invitae), Labcorp
Classification: Uncertain significance for Fanconi anemia. Last evaluated: 2024-01-03. Review status: criteria provided, single submitter. Criteria: Invitae Variant Classification Sherloc (09022015). Collection method: clinical testing. Allele origin: germline.
Comment: This sequence change replaces glutamic acid, which is acidic and polar, with lysine, which is basic and polar, at codon 1646 of the SLX4 protein (p.Glu1646Lys). This variant is not present in population databases (gnomAD no frequency). This variant has not been reported in the literature in individuals affected with SLX4-related conditions. Algorithms developed to predict the effect of missense changes on protein structure and function output the following: SIFT: "Not Available"; PolyPhen-2: "Benign"; Align-GVGD: "Not Available". The lysine amino acid residue is found in multiple mammalian species, which suggests that this missense change does not adversely affect protein function. In summary, the available evidence is currently insufficient to determine the role of this variant in disease. Therefore, it has been classified as a Variant of Uncertain Significance.